The following is an entry in ClinVar:

ClinVar aggregate classification (germline): Likely benign. Review status: criteria provided, multiple submitters, no conflicts (2 of 4 stars). 3 submissions from 3 submitters: Likely benign (2). 1 of the submissions does not count toward it. Last evaluated 2025-11-01.

Conditions:
PLXNA1-related disorder. Also called: PLXNA1-related condition.

Allele frequency attached by ClinVar (database versions not stated): 1000 Genomes Project 30x 0.00016; ESP Exome Variant Server 0.00069; ExAC 0.00126.
gnomAD v4.1: 2,318 of 1,613,080 alleles (0.14%); highest among the groups gnomAD compares: Non-Finnish European, 0.19%; 2 homozygotes.

Submissions (3):

CeGaT Center for Human Genetics Tuebingen
Classification: Likely benign. Last evaluated: 2025-11-01. Review status: criteria provided, single submitter. Criteria: CeGaT Center For Human Genetics Tuebingen Variant Classification Criteria Version 2. Collection method: clinical testing. Allele origin: germline. Affected: yes. Observed: 1 variant allele.
Comment: PLXNA1: BS2

Labcorp Genetics (formerly Invitae), Labcorp
Classification: Likely benign. Last evaluated: 2025-09-28. Review status: criteria provided, single submitter. Criteria: Invitae Variant Classification Sherloc (09022015). Collection method: clinical testing. Allele origin: germline.

PreventionGenetics, part of Exact Sciences
Classification: Likely benign for PLXNA1-related condition. Last evaluated: 2019-03-11. Review status: no assertion criteria provided. Collection method: clinical testing. Allele origin: germline. Not counted in ClinVar's aggregate classification.
Comment: This variant is classified as likely benign based on ACMG/AMP sequence variant interpretation guidelines (Richards et al. 2015 PMID: 25741868, with internal and published modifications).

NM_032242.4(PLXNA1):c.1045G>C (p.Val349Leu)

Gene: PLXNA1 (plexin A1; plus strand). Cytogenetic location: 3q21.3.
Variant type: single nucleotide variant.
Coding change: c.1045G>C on transcript NM_032242.4 (MANE Select); coding-DNA position 1045, G replaced by C.
Protein change: p.Val349Leu; replaces valine 349 with leucine.
Molecular consequence: missense variant.
Genome position (GRCh38, 1-based): chr3:126,989,638, G>C. VCF-style: chr3-126989638-G-C. GRCh37 (hg19) VCF-style: chr3-126708481-G-C.
Other names: c.1045G>C (NM_032242.3); short protein forms V349L.
Identifiers: ClinVar variation 1670435 (VCV001670435.16), dbSNP rs41266465, ClinGen allele CA2593113.